The following is an entry in ClinVar:

NM_000540.3(RYR1):c.12406C>T (p.Arg4136Cys)

Gene: RYR1 (ryanodine receptor 1; plus strand). Cytogenetic location: 19q13.2.
Variant type: single nucleotide variant.
Coding change: c.12406C>T on transcript NM_000540.3 (MANE Select); coding-DNA position 12406, C replaced by T.
Protein change: p.Arg4136Cys; replaces arginine 4136 with cysteine.
Molecular consequence: missense variant.
Genome position (GRCh38, 1-based): chr19:38,561,236, C>T. VCF-style: chr19-38561236-C-T. GRCh37 (hg19) VCF-style: chr19-39051876-C-T.
Other names: c.12391C>T, p.Arg4131Cys (NM_001042723.2); short protein forms R4131C, R4136C.
Identifiers: ClinVar variation 2900786 (VCV002900786.3), dbSNP rs193922849, ClinGen allele CA405668693.

ClinVar aggregate classification (germline): Uncertain significance (1 of 4 stars; one submission).

Conditions:
RYR1-related disorder. Also called: RYR1-related condition; RYR1-related disorders. Identifiers: MedGen CN239331.

gnomAD v4.1: 3 of 1,614,110 alleles (0.00019%); highest among the groups gnomAD compares: South Asian, 0.0011%; no homozygotes.

Submission:

Labcorp Genetics (formerly Invitae), Labcorp
Classification: Uncertain significance for RYR1-related disorder. Last evaluated: 2023-09-08. Review status: criteria provided, single submitter. Criteria: Invitae Variant Classification Sherloc (09022015). Collection method: clinical testing. Allele origin: germline.
Comment: In summary, the available evidence is currently insufficient to determine the role of this variant in disease. Therefore, it has been classified as a Variant of Uncertain Significance. This variant disrupts the p.Arg4136 amino acid residue in RYR1. Other variant(s) that disrupt this residue have been determined to be pathogenic (PMID: 12208234). This suggests that this residue is clinically significant, and that variants that disrupt this residue are likely to be disease-causing. Advanced modeling of protein sequence and biophysical properties (such as structural, functional, and spatial information, amino acid conservation, physicochemical variation, residue mobility, and thermodynamic stability) has been performed at Invitae for this missense variant, however the output from this modeling did not meet the statistical confidence thresholds required to predict the impact of this variant on RYR1 protein function. This variant has not been reported in the literature in individuals affected with RYR1-related conditions. This variant is not present in population databases (gnomAD no frequency). This sequence change replaces arginine, which is basic and polar, with cysteine, which is neutral and slightly polar, at codon 4136 of the RYR1 protein (p.Arg4136Cys).

Literature cited by the submitters: PubMed 12208234.